The following is an entry in ClinVar:

NM_016507.4(CDK12):c.1388T>C (p.Val463Ala)

Gene: CDK12 (cyclin dependent kinase 12; plus strand). Cytogenetic location: 17q12.
Variant type: single nucleotide variant.
Coding change: c.1388T>C on transcript NM_016507.4 (MANE Select); coding-DNA position 1388, T replaced by C.
Protein change: p.Val463Ala; replaces valine 463 with alanine.
Molecular consequence: missense variant.
Genome position (GRCh38, 1-based): chr17:39,471,220, T>C. VCF-style: chr17-39471220-T-C. GRCh37 (hg19) VCF-style: chr17-37627473-T-C.
Other names: c.1388T>C, p.Val463Ala (NM_015083.4); short protein forms V463A.
Identifiers: ClinVar variation 4224440 (VCV004224440.1).

ClinVar aggregate classification (germline): Uncertain significance (1 of 4 stars; one submission).

Submission:

Ambry Genetics
Classification: Uncertain significance. Last evaluated: 2025-09-02. Review status: criteria provided, single submitter. Criteria: Ambry Variant Classification Scheme 2023. Collection method: clinical testing. Allele origin: germline.
Comment: The p.V463A variant (also known as c.1388T>C), located in coding exon 2 of the CDK12 gene, results from a T to C substitution at nucleotide position 1388. The valine at codon 463 is replaced by alanine, an amino acid with similar properties. This amino acid position is conserved. In addition, this alteration is predicted to be tolerated by in silico analysis. Based on the available evidence, the clinical significance of this variant remains unclear.